The following is an entry in ClinVar:

ClinVar aggregate classification (germline): Uncertain significance (1 of 4 stars; one submission).

Conditions:
Leber congenital amaurosis 1 (LCA1). Also called: Congenital absence of the rods and cones; Leber's congenital tapetoretinal degeneration; Leber's congenital tapetoretinal dysplasia; RETINAL BLINDNESS, CONGENITAL; AMAUROSIS CONGENITA OF LEBER I. Identifiers: Orphanet 65, MedGen C2931258, MONDO:0008764, OMIM 204000.
Cone-rod dystrophy 6 (CORD6). Also called: RETINAL CONE DYSTROPHY 2; Cone dystrophy progressive. Identifiers: Orphanet 1872, MedGen C1866293, MONDO:0011143, OMIM 601777.

gnomAD v4.1: 4 of 1,596,978 alleles (0.00025%); highest among the groups gnomAD compares: Non-Finnish European, 0.00034%; no homozygotes.

Submission:

Labcorp Genetics (formerly Invitae), Labcorp
Classification: Uncertain significance for Leber congenital amaurosis 1; Cone-rod dystrophy 6. Last evaluated: 2021-10-21. Review status: criteria provided, single submitter. Criteria: Invitae Variant Classification Sherloc (09022015). Collection method: clinical testing. Allele origin: germline.
Comment: This sequence change replaces glutamic acid, which is acidic and polar, with glutamine, which is neutral and polar, at codon 333 of the GUCY2D protein (p.Glu333Gln). This variant is present in population databases (no rsID available, gnomAD 0.002%). This variant has not been reported in the literature in individuals affected with GUCY2D-related conditions. Algorithms developed to predict the effect of missense changes on protein structure and function (SIFT, PolyPhen-2, Align-GVGD) all suggest that this variant is likely to be disruptive. In summary, the available evidence is currently insufficient to determine the role of this variant in disease. Therefore, it has been classified as a Variant of Uncertain Significance.

NM_000180.4(GUCY2D):c.997G>C (p.Glu333Gln)

Gene: GUCY2D (guanylate cyclase 2D, retinal; plus strand). Cytogenetic location: 17p13.1.
Variant type: single nucleotide variant.
Coding change: c.997G>C on transcript NM_000180.4 (MANE Select); coding-DNA position 997, G replaced by C.
Protein change: p.Glu333Gln; replaces glutamic acid 333 with glutamine.
Molecular consequence: missense variant.
Genome position (GRCh38, 1-based): chr17:8,004,127, G>C. VCF-style: chr17-8004127-G-C. GRCh37 (hg19) VCF-style: chr17-7907445-G-C.
Other names: short protein forms E333Q.
Identifiers: ClinVar variation 1494242 (VCV001494242.3), dbSNP rs755999834, ClinGen allele CA397946369.